The following is an entry in ClinVar:

ClinVar aggregate classification (germline): Benign/Likely benign. Review status: criteria provided, multiple submitters, no conflicts (2 of 4 stars). 4 submissions from 4 submitters: Benign (2); Likely benign (2). Last evaluated 2026-01-27.

Conditions:
Primary ciliary dyskinesia. Also called: Ciliary dyskinesia. Identifiers: Orphanet 244, MedGen C0008780, MONDO:0016575, HP:0012265.
Primary ciliary dyskinesia 11. Also called: CILIARY DYSKINESIA, PRIMARY, 11, WITHOUT SITUS INVERSUS. Identifiers: Orphanet 244, MedGen C2675229, MONDO:0012978, OMIM 612649.

Allele frequency attached by ClinVar (database versions not stated): gnomAD exomes 0.00059 and 0.00160; ExAC 0.00193; 1000 Genomes Project 30x 0.00562; 1000 Genomes Project 0.00599; gnomAD 0.00632 and 0.00679; TOPMed 0.00747; ESP Exome Variant Server 0.00907.
gnomAD v4.1: 1,881 of 1,613,266 alleles (0.12%); highest among the groups gnomAD compares: African/African-American, 2.2%; 22 homozygotes.

Submissions (4):

Labcorp Genetics (formerly Invitae), Labcorp
Classification: Benign for Primary ciliary dyskinesia. Last evaluated: 2026-01-27. Review status: criteria provided, single submitter. Criteria: Invitae Variant Classification Sherloc (09022015). Collection method: clinical testing. Allele origin: germline.

Illumina Laboratory Services, Illumina
Classification: Likely benign for Primary ciliary dyskinesia 11. Last evaluated: 2018-01-13. Review status: criteria provided, single submitter. Criteria: ICSL Variant Classification Criteria 13 December 2019. Collection method: clinical testing. Allele origin: germline.
Comment: This variant was observed in the ICSL laboratory as part of a predisposition screen in an ostensibly healthy population. It had not been previously curated by ICSL or reported in the Human Gene Mutation Database (HGMD: prior to June 1st, 2018), and was therefore a candidate for classification through an automated scoring system. Utilizing variant allele frequency, disease prevalence and penetrance estimates, and inheritance mode, an automated score was calculated to assess if this variant is too frequent to cause the disease. Based on the score and internal cut-off values, a variant classified as likely benign is not then subjected to further curation. The score for this variant resulted in a classification of likely benign for this disease.

Eurofins Ntd Llc (ga)
Classification: Benign. Last evaluated: 2015-03-05. Review status: criteria provided, single submitter. Criteria: EGL Classification Definitions 2015. Collection method: clinical testing. Allele origin: germline. Observed: 2 variant alleles, 2 heterozygotes.

Ambry Genetics
Classification: Likely benign for Primary ciliary dyskinesia. Last evaluated: 2014-09-09. Review status: criteria provided, single submitter. Criteria: Ambry Variant Classification Scheme 2023. Collection method: clinical testing. Allele origin: germline.

NM_001010892.3(RSPH4A):c.1731A>G (p.Lys577=)

Gene: RSPH4A (radial spoke head component 4A; plus strand). Cytogenetic location: 6q22.1.
Variant type: single nucleotide variant.
Coding change: c.1731A>G on transcript NM_001010892.3 (MANE Select); coding-DNA position 1731, A replaced by G.
Protein change: p.Lys577=; no amino-acid change (lysine 577 retained).
Molecular consequence: synonymous variant. On other transcripts: intron variant (1).
Genome position (GRCh38, 1-based): chr6:116,629,635, A>G. VCF-style: chr6-116629635-A-G. GRCh37 (hg19) VCF-style: chr6-116950798-A-G.
Other names: c.1663-800A>G (NM_001161664.2).
Identifiers: ClinVar variation 197171 (VCV000197171.21), dbSNP rs73765819, ClinGen allele CA202724.